The following is an entry in ClinVar:

NM_000051.4(ATM):c.2662G>C (p.Glu888Gln)

Gene: ATM (ATM serine/threonine kinase; plus strand). Cytogenetic location: 11q22.3.
Variant type: single nucleotide variant.
Coding change: c.2662G>C on transcript NM_000051.4 (MANE Select); coding-DNA position 2662, G replaced by C.
Protein change: p.Glu888Gln; replaces glutamic acid 888 with glutamine.
Molecular consequence: missense variant.
Genome position (GRCh38, 1-based): chr11:108,268,433, G>C. VCF-style: chr11-108268433-G-C. GRCh37 (hg19) VCF-style: chr11-108139160-G-C.
Other names: c.2662G>C, p.Glu888Gln (NM_001351834.2); short protein forms E888Q.
Identifiers: ClinVar variation 420415 (VCV000420415.16), dbSNP rs879254083, ClinGen allele CA16619144.

ClinVar aggregate classification (germline): Uncertain significance. Review status: criteria provided, multiple submitters, no conflicts (2 of 4 stars). 4 submissions from 4 submitters: Uncertain significance (4). Last evaluated 2025-04-30.

Conditions:
Hereditary cancer-predisposing syndrome. Also called: Hereditary neoplastic syndrome; Hereditary Cancer Syndrome; Neoplastic Syndromes, Hereditary; Tumor predisposition. Identifiers: Orphanet 140162, MedGen C0027672, MeSH D009386, MONDO:0015356.
Ataxia-telangiectasia syndrome (AT). Also called: Ataxia-telangiectasia, complementation group D; Cerebello-oculocutaneous telangiectasia; Immunodeficiency with ataxia telangiectasia; ATAXIA-TELANGIECTASIA, COMPLEMENTATION GROUP A; ATAXIA-TELANGIECTASIA, FRESNO VARIANT; LOUIS-BAR SYNDROME. Identifiers: Orphanet 100, MedGen C0004135, MONDO:0008840, OMIM 208900.

Allele frequency attached by ClinVar (database versions not stated): TOPMed below 0.00001.

Submissions (4):

Ambry Genetics
Classification: Uncertain significance for Hereditary cancer-predisposing syndrome. Last evaluated: 2025-04-30. Review status: criteria provided, single submitter. Criteria: Ambry Variant Classification Scheme 2023. Collection method: clinical testing. Allele origin: germline.
Comment: The p.E888Q variant (also known as c.2662G>C), located in coding exon 17 of the ATM gene, results from a G to C substitution at nucleotide position 2662. The glutamic acid at codon 888 is replaced by glutamine, an amino acid with highly similar properties. This alteration was detected in 1/5589 BRCA1/2-negative probands diagnosed with breast cancer (Hauke J et al. Cancer Med, 2018 04;7:1349-1358). This amino acid position is well conserved in available vertebrate species. In addition, this alteration is predicted to be tolerated by in silico analysis. Based on the available evidence, the clinical significance of this variant remains unclear.

Labcorp Genetics (formerly Invitae), Labcorp
Classification: Uncertain significance for Ataxia-telangiectasia syndrome. Last evaluated: 2024-03-29. Review status: criteria provided, single submitter. Criteria: Invitae Variant Classification Sherloc (09022015). Collection method: clinical testing. Allele origin: germline.
Comment: This sequence change replaces glutamic acid, which is acidic and polar, with glutamine, which is neutral and polar, at codon 888 of the ATM protein (p.Glu888Gln). This variant is not present in population databases (gnomAD no frequency). This variant has not been reported in the literature in individuals affected with ATM-related conditions. ClinVar contains an entry for this variant (Variation ID: 420415). An algorithm developed to predict the effect of missense changes on protein structure and function (PolyPhen-2) suggests that this variant is likely to be disruptive. In summary, the available evidence is currently insufficient to determine the role of this variant in disease. Therefore, it has been classified as a Variant of Uncertain Significance.

Color Diagnostics, LLC DBA Color Health
Classification: Uncertain significance for Hereditary cancer-predisposing syndrome. Last evaluated: 2020-01-15. Review status: criteria provided, single submitter. Criteria: ACMG Guidelines, 2015. Collection method: clinical testing. Allele origin: germline.
Comment: This missense variant replaces glutamic acid with glutamine at codon 888 of the ATM protein. Computational prediction suggests that this variant may not impact protein structure and function (internally defined REVEL score threshold <= 0.5, PMID: 27666373). Splice site prediction tools suggest that this variant may not impact RNA splicing. To our knowledge, functional studies have not been performed for this variant. This variant has not been reported in individuals affected with hereditary cancer in the literature. This variant has not been identified in the general population by the Genome Aggregation Database (gnomAD). The available evidence is insufficient to determine the role of this variant in disease conclusively. Therefore, this variant is classified as a Variant of Uncertain Significance.

GeneDx
Classification: Uncertain significance. Last evaluated: 2017-01-23. Review status: criteria provided, single submitter. Criteria: GeneDx Variant Classification (06012015). Collection method: clinical testing. Allele origin: germline. Affected: yes.
Comment: This variant is denoted ATM c.2662G>C at the cDNA level, p.Glu888Gln (E888Q) at the protein level, and results in the change of a Glutamic Acid to a Glutamine (GAA>CAA). This variant has not, to our knowledge, been published in the literature as pathogenic or benign. ATM Glu888Gln was not observed in approximately 6,500 individuals of European and African American ancestry in the NHLBI Exome Sequencing Project, suggesting it is not a common benign variant in these populations. Since Glutamic Acid and Glutamine differ in some properties, this is considered a semi-conservative amino acid substitution. ATM Glu888Gln occurs at a position where amino acids with properties similar to Glutamic Acid are tolerated across species and is not located in a known functional domain (Tavtigian 2009, Stracker 2013). In silico analyses are inconsistent regarding the effect this variant may have on protein structure and function. Based on currently available evidence, it is unclear whether ATM Glu888Gln is a pathogenic or benign variant. We consider it to be a variant of uncertain significance.

Literature cited by the submitters: PubMed 29522266 (cited by Ambry Genetics).